The following is an entry in ClinVar:

ClinVar aggregate classification (germline): Uncertain significance (1 of 4 stars; one submission).

Conditions:
Hereditary cancer-predisposing syndrome. Also called: Neoplastic Syndromes, Hereditary; Tumor predisposition; Hereditary neoplastic syndrome; Hereditary Cancer Syndrome. Identifiers: Orphanet 140162, MedGen C0027672, MeSH D009386, MONDO:0015356.

Submission:

Ambry Genetics
Classification: Uncertain significance for Hereditary cancer-predisposing syndrome. Last evaluated: 2025-05-17. Review status: criteria provided, single submitter. Criteria: Ambry Variant Classification Scheme 2023. Collection method: clinical testing. Allele origin: germline.
Comment: The p.L1535M variant (also known as c.4603C>A), located in coding exon 29 of the ALK gene, results from a C to A substitution at nucleotide position 4603. The leucine at codon 1535 is replaced by methionine, an amino acid with highly similar properties. This amino acid position is conserved. In addition, this alteration is predicted to be tolerated by in silico analysis. Based on the available evidence, the clinical significance of this variant remains unclear.

NM_004304.5(ALK):c.4603C>A (p.Leu1535Met)

Gene: ALK (ALK receptor tyrosine kinase; minus strand). Cytogenetic location: 2p23.2.
Variant type: single nucleotide variant.
Coding change: c.4603C>A on transcript NM_004304.5 (MANE Select); coding-DNA position 4603, C replaced by A.
Protein change: p.Leu1535Met; replaces leucine 1535 with methionine.
Molecular consequence: missense variant.
Genome position (GRCh38, 1-based): chr2:29,193,484, G>T on the plus strand (C>A on the coding strand, the complement: ALK is on the minus strand). VCF-style: chr2-29193484-G-T. GRCh37 (hg19) VCF-style: chr2-29416350-G-T.
Other names: c.1399C>A, p.Leu467Met (NM_001353765.2); short protein forms L1535M, L467M.
Identifiers: ClinVar variation 4040922 (VCV004040922.1).